The following is an entry in ClinVar:

ClinVar aggregate classification (germline): Benign/Likely benign. Review status: criteria provided, multiple submitters, no conflicts (2 of 4 stars). 3 submissions from 3 submitters: Benign (1); Likely benign (2). Last evaluated 2026-05-19.

Conditions:
Cardiovascular phenotype. Identifiers: MedGen CN230736.
Hereditary cancer-predisposing syndrome. Also called: Neoplastic Syndromes, Hereditary; Tumor predisposition; Hereditary Cancer Syndrome; Hereditary neoplastic syndrome. Identifiers: Orphanet 140162, MedGen C0027672, MeSH D009386, MONDO:0015356.
Neurofibromatosis, type 1 (NF1). Also called: Peripheral type neurofibromatosis; NEUROFIBROMATOSIS, TYPE I, SOMATIC; VON RECKLINGHAUSEN DISEASE; Neurofibromatosis, type I. Identifiers: Orphanet 636, MedGen C0027831, MONDO:0018975, OMIM 162200. Disease mechanism: loss of function.

Allele frequency attached by ClinVar (database versions not stated): TOPMed below 0.00001.

Submissions (3):

Myriad Genetics, Inc.
Classification: Benign for Neurofibromatosis, type 1. Last evaluated: 2026-05-19. Review status: criteria provided, single submitter. Criteria: Myriad Autosomal Dominant, Autosomal Recessive and X-Linked Classification Criteria (2023). Collection method: clinical testing. Allele origin: unknown.
Comment: This variant is considered benign. This variant is a silent/synonymous amino acid change and it is not expected to impact splicing.

Labcorp Genetics (formerly Invitae), Labcorp
Classification: Likely benign for Neurofibromatosis, type 1. Last evaluated: 2023-10-05. Review status: criteria provided, single submitter. Criteria: Invitae Variant Classification Sherloc (09022015). Collection method: clinical testing. Allele origin: germline.

Ambry Genetics
Classification: Likely benign for Cardiovascular phenotype; Hereditary cancer-predisposing syndrome. Last evaluated: 2022-04-21. Review status: criteria provided, single submitter. Criteria: Ambry Variant Classification Scheme 2023. Collection method: clinical testing. Allele origin: germline.

NM_001042492.3(NF1):c.4680C>T (p.Ser1560=)

Gene: NF1 (neurofibromin 1; plus strand). Cytogenetic location: 17q11.2.
Variant type: single nucleotide variant.
Coding change: c.4680C>T on transcript NM_001042492.3 (MANE Select); coding-DNA position 4680, C replaced by T.
Protein change: p.Ser1560=; no amino-acid change (serine 1560 retained).
Molecular consequence: synonymous variant.
Genome position (GRCh38, 1-based): chr17:31,261,813, C>T. VCF-style: chr17-31261813-C-T. GRCh37 (hg19) VCF-style: chr17-29588831-C-T.
Other names: c.4617C>T, p.Ser1539= (NM_000267.4).
Identifiers: ClinVar variation 1135041 (VCV001135041.10), dbSNP rs2067691696, ClinGen allele CA499233914.